The following is an entry in ClinVar:

NM_000321.3(RB1):c.1123G>T (p.Val375Phe)

Gene: RB1 (RB transcriptional corepressor 1; plus strand). Cytogenetic location: 13q14.2.
Variant type: single nucleotide variant.
Coding change: c.1123G>T on transcript NM_000321.3 (MANE Select); coding-DNA position 1123, G replaced by T.
Protein change: p.Val375Phe; replaces valine 375 with phenylalanine.
Molecular consequence: missense variant.
Genome position (GRCh38, 1-based): chr13:48,368,600, G>T. VCF-style: chr13-48368600-G-T. GRCh37 (hg19) VCF-style: chr13-48942736-G-T.
Other names: c.1123G>T, p.Val375Phe (NM_001407165.1, NM_001407166.1); short protein forms V375F.
Identifiers: ClinVar variation 3236956 (VCV003236956.1), dbSNP rs1952727557.

ClinVar aggregate classification (germline): Uncertain significance (1 of 4 stars; one submission).

Conditions:
Retinoblastoma (RB1). Also called: RETINOBLASTOMA, SOMATIC. Identifiers: Orphanet 790, MedGen C0035335, MeSH D012175, MONDO:0008380, OMIM 180200, HP:0009919. Disease mechanism: loss of function. Inheritance: Both sporadic and heritable forms are tested..

Submission:

Genetic Diagnostic Laboratory, University of Pennsylvania School of Medicine
Classification: Uncertain significance for Retinoblastoma. Last evaluated: 2024-05-20. Review status: criteria provided, single submitter. Criteria: ACMG Guidelines, 2015. Collection method: clinical testing. Allele origin: germline. Affected: yes. Observed: 1 variant allele.
Comment: Case and Pedigree Information: BILATERAL CASES:1, UNILATERAL CASES:0, TOTAL CASES:1, PEDIGREES:1. ACMG Codes Applied:PM1, PM2, PP3